The following is an entry in ClinVar:

NM_000116.5(TAFAZZIN):c.331C>T (p.His111Tyr)

Gene: TAFAZZIN (tafazzin, phospholipid-lysophospholipid transacylase; plus strand). Cytogenetic location: Xq28.
Variant type: single nucleotide variant.
Coding change: c.331C>T on transcript NM_000116.5 (MANE Select); coding-DNA position 331, C replaced by T.
Protein change: p.His111Tyr; replaces histidine 111 with tyrosine.
Molecular consequence: missense variant. On other transcripts: non-coding transcript variant (1).
Genome position (GRCh38, 1-based): chrX:154,413,528, C>T. VCF-style: chrX-154413528-C-T. GRCh37 (hg19) VCF-style: chrX-153641865-C-T.
Other names: p.H111Y:CAC>TAC; c.385C>T, p.His129Tyr (NM_001303465.2); c.331C>T, p.His111Tyr (NM_181311.4, NM_181312.4, NM_181313.4); short protein forms H111Y, H129Y.
Identifiers: ClinVar variation 165328 (VCV000165328.28), dbSNP rs200405157, ClinGen allele CA178074.
Genomic context (GRCh38, chrX:154,413,528, plus strand): 5'-CTGTCCCTGCTTAGGACCCCTGCAGCTGCAGACATCTGCTTCACCAAGGAGCTACACTCC[C>T]ACTTCTTCAGCTTGGGCAAGTGTGTGCCTGTGTGCCGAGGTGAGCTGCTCCTCCAGCGAG-3'
Protein context (NP_000107.1, residues 101-121): DICFTKELHS[His111Tyr]FFSLGKCVPV

ClinVar aggregate classification (germline): Conflicting classifications of pathogenicity. Review status: criteria provided, conflicting classifications (1 of 4 stars). 7 submissions from 7 submitters: Uncertain significance (4); Likely benign (3). Last evaluated 2026-08-01.

Conditions:
TAFAZZIN-related disorder. Also called: TAFAZZIN-related condition; TAFAZZIN-Related Disorders.
Cardiovascular phenotype. Identifiers: MedGen CN230736.
3-Methylglutaconic aciduria type 2 (BTHS). Also called: CARDIOSKELETAL MYOPATHY WITH NEUTROPENIA AND ABNORMAL MITOCHONDRIA; Barth syndrome. Identifiers: Orphanet 111, MedGen C0574083, MONDO:0010543, OMIM 302060.

Allele frequency attached by ClinVar (database versions not stated): gnomAD 0.00002; gnomAD exomes 0.00003 and 0.00007; TOPMed 0.00003; ExAC 0.00005; ESP Exome Variant Server 0.00009.

Submissions (7):

CeGaT Center for Human Genetics Tuebingen
Classification: Likely benign. Last evaluated: 2026-08-01. Review status: criteria provided, single submitter. Criteria: CeGaT Center For Human Genetics Tuebingen Variant Classification Criteria Version 2. Collection method: clinical testing. Allele origin: germline. Affected: yes. Observed: 2 variant alleles.
Comment: TAFAZZIN: BS2

PreventionGenetics, part of Exact Sciences
Classification: Likely benign for TAFAZZIN-related condition. Last evaluated: 2026-02-19. Review status: criteria provided, single submitter. Criteria: ACMG Guidelines, 2015. Collection method: clinical testing. Allele origin: germline.
Comment: This variant is classified as likely benign based on ACMG/AMP sequence variant interpretation guidelines (Richards et al. 2015 PMID: 25741868, with internal and published modifications).

Labcorp Genetics (formerly Invitae), Labcorp
Classification: Uncertain significance for 3-Methylglutaconic aciduria type 2. Last evaluated: 2025-12-01. Review status: criteria provided, single submitter. Criteria: Invitae Variant Classification Sherloc (09022015). Collection method: clinical testing. Allele origin: germline.
Comment: This sequence change replaces histidine, which is basic and polar, with tyrosine, which is neutral and polar, at codon 111 of the TAZ protein (p.His111Tyr). This variant is present in population databases (rs200405157, gnomAD 0.008%). This missense change has been observed in individual(s) with left ventricular noncompaction cardiomyopathy (PMID: 33500567). ClinVar contains an entry for this variant (Variation ID: 165328). Experimental studies and prediction algorithms are not available or were not evaluated, and the functional significance of this variant is currently unknown. In summary, the available evidence is currently insufficient to determine the role of this variant in disease. Therefore, it has been classified as a Variant of Uncertain Significance.

Mayo Clinic Laboratories, Mayo Clinic
Classification: Uncertain significance. Last evaluated: 2025-02-09. Review status: criteria provided, single submitter. Criteria: ACMG Guidelines, 2015. Collection method: clinical testing. Allele origin: germline. Observed: 1 variant allele.
Comment: BS2

Ambry Genetics
Classification: Uncertain significance for Cardiovascular phenotype. Last evaluated: 2024-12-18. Review status: criteria provided, single submitter. Criteria: Ambry Variant Classification Scheme 2023. Collection method: clinical testing. Allele origin: germline.
Comment: The p.H111Y variant (also known as c.331C>T), located in coding exon 4 of the TAZ gene, results from a C to T substitution at nucleotide position 331. The histidine at codon 111 is replaced by tyrosine, an amino acid with similar properties. This alteration has been reported in left ventricular non-compaction (LVNC) cohorts; however, clinical details were limited (Richard P et al. Clin Genet, 2019 03;95:356-367; Mazzarotto F et al. Genet Med, 2021 05;23:856-864). Based on data from gnomAD, the T allele has an overall frequency of 0.0029% (6/205368) total alleles studied, with 1 hemizygote(s) observed. The highest observed frequency was 0.0065% (6/92637) of European (non-Finnish) alleles. This amino acid position is poorly conserved in available vertebrate species. In addition, the in silico prediction for this alteration is inconclusive. Since supporting evidence is limited at this time, the clinical significance of this alteration remains unclear.

GeneDx
Classification: Likely benign. Last evaluated: 2021-05-13. Review status: criteria provided, single submitter. Criteria: GeneDx Variant Classification Process June 2021. Collection method: clinical testing. Allele origin: germline. Affected: yes.

Laboratory for Molecular Medicine, Mass General Brigham Personalized Medicine
Classification: Uncertain significance. Last evaluated: 2013-09-04. Review status: criteria provided, single submitter. Criteria: LMM Criteria. Collection method: clinical testing. Allele origin: germline. Observed: 2 variant alleles.
Comment: The His111Tyr variant in TAZ has not been reported in any other families with ca rdiomyopathy, but has been identified in 1/6728 European American chromosomes by the NHLBI Exome Sequencing Project (dbSNP rs 200405157). Computational analyses (biochemical amino acid properties, conservat ion, AlignGVGD, PolyPhen2, and SIFT) suggest that the His111Tyr variant may not impact the protein, though this information is not predictive enough to rule out pathogenicity. Additional studies are needed to fully assess the clinical sign ificance of the His111Tyr variant.

Literature cited by the submitters: PubMed 33500567 (cited by 3 submitters); PubMed 30471092 (cited by Mayo Clinic Laboratories, Mayo Clinic and Ambry Genetics).